The following is an entry in ClinVar:

ClinVar aggregate classification (germline): Pathogenic/Likely pathogenic. Review status: criteria provided, multiple submitters, no conflicts (2 of 4 stars). 2 submissions from 2 submitters: Pathogenic (1); Likely pathogenic (1). Last evaluated 2022-06-22.

Conditions:
Jeune thoracic dystrophy. Also called: Jeune syndrome; Infantile thoracic dystrophy; Thoracic pelvic phalangeal dystrophy; Jeune's syndrome; Chondroectodermal dysplasia-like syndrome; Short-rib thoracic dysplasia. Identifiers: Orphanet 474, MedGen C0265275, MONDO:0018770.
Nephronophthisis. Also called: Juvenile Nephronophthisis. Identifiers: Orphanet 655, MedGen C0687120, MONDO:0019005, HP:0000090.

Allele frequency attached by ClinVar (database versions not stated): gnomAD exomes 0.00001 and 0.00003; TOPMed 0.00001; ExAC 0.00003; gnomAD 0.00003 and 0.00004.
gnomAD v4.1: 25 of 1,609,450 alleles (0.0016%); highest among the groups gnomAD compares: African/African-American, 0.0013%; no homozygotes.

Submissions (2):

Labcorp Genetics (formerly Invitae), Labcorp
Classification: Pathogenic for Jeune thoracic dystrophy; Nephronophthisis. Last evaluated: 2022-06-22. Review status: criteria provided, single submitter. Criteria: Invitae Variant Classification Sherloc (09022015). Collection method: clinical testing. Allele origin: germline.
Comment: For these reasons, this variant has been classified as Pathogenic. Algorithms developed to predict the effect of sequence changes on RNA splicing suggest that this variant may disrupt the consensus splice site. ClinVar contains an entry for this variant (Variation ID: 996789). This variant has not been reported in the literature in individuals affected with TTC21B-related conditions. This variant is present in population databases (rs748663904, gnomAD 0.02%). This sequence change creates a premature translational stop signal (p.Glu737*) in the TTC21B gene. It is expected to result in an absent or disrupted protein product. Loss-of-function variants in TTC21B are known to be pathogenic (PMID: 18327258, 21068128, 21258341, 23559409, 24876116, 25492405, 27491411, 29068549).

Institute of Medical Genetics and Applied Genomics, University Hospital Tübingen
Classification: Likely pathogenic. Last evaluated: 2021-02-01. Review status: criteria provided, single submitter. Criteria: ACMG Guidelines, 2015. Collection method: clinical testing. Allele origin: germline. Inheritance: Autosomal recessive inheritance. Affected: yes.

Literature cited by the submitters: PubMed 18327258 (cited by Labcorp Genetics (formerly Invitae), Labcorp); PubMed 21068128 (cited by Labcorp Genetics (formerly Invitae), Labcorp); PubMed 21258341 (cited by Labcorp Genetics (formerly Invitae), Labcorp); PubMed 23559409 (cited by Labcorp Genetics (formerly Invitae), Labcorp); PubMed 24876116 (cited by Labcorp Genetics (formerly Invitae), Labcorp); PubMed 25492405 (cited by Labcorp Genetics (formerly Invitae), Labcorp); PubMed 27491411 (cited by Labcorp Genetics (formerly Invitae), Labcorp); PubMed 29068549 (cited by Labcorp Genetics (formerly Invitae), Labcorp).

NM_024753.5(TTC21B):c.2209G>T (p.Glu737Ter)

Gene: TTC21B (tetratricopeptide repeat domain 21B; minus strand). Cytogenetic location: 2q24.3.
Variant type: single nucleotide variant.
Coding change: c.2209G>T on transcript NM_024753.5 (MANE Select); coding-DNA position 2209, G replaced by T.
Protein change: p.Glu737Ter; replaces glutamic acid 737 with a stop codon.
Molecular consequence: nonsense.
Genome position (GRCh38, 1-based): chr2:165,913,576, C>A on the plus strand (G>T on the coding strand, the complement: TTC21B is on the minus strand). VCF-style: chr2-165913576-C-A. GRCh37 (hg19) VCF-style: chr2-166770086-C-A.
Other names: short protein forms E737*.
Identifiers: ClinVar variation 996789 (VCV000996789.5), dbSNP rs748663904, ClinGen allele CA1941905.